The following is an entry in ClinVar:

NM_000533.5(PLP1):c.554_564del (p.Gln185fs)

Genes: PLP1 (proteolipid protein 1; plus strand), RAB9B (RAB9B, member RAS oncogene family; minus strand). Cytogenetic location: Xq22.2.
Variant type: Deletion.
Coding change: c.554_564del on transcript NM_000533.5 (MANE Select); coding-DNA positions 554 to 564, 11 bases deleted (AGTCTATTGCC).
Protein change: p.Gln185fs; shifts the reading frame from glutamine 185.
Molecular consequence: frameshift variant.
Genome position (GRCh38, 1-based): chrX:103,787,898-103,787,908, AGTCTATTGCC deleted; deleting any 11 consecutive bases within chrX:103,787,894-103,787,908 gives the same sequence; the c. name uses the placement nearest the transcript's 3' end. VCF-style (leftmost placement, unchanged base first): chrX-103787893-CTGCCAGTCTAT-C. GRCh37 (hg19) VCF-style: chrX-103042822-CTGCCAGTCTAT-C.
Other names: c.389_399del, p.Gln130fs (NM_001305004.1); c.449_459del, p.Gln150fs (NM_199478.3); c.554_564del, p.Gln185fs (NM_001128834.3); short protein forms Q130fs, Q150fs, Q185fs.
Identifiers: ClinVar variation 3252100 (VCV003252100.2), dbSNP rs2522314822.

ClinVar aggregate classification (germline): Likely pathogenic (1 of 4 stars; one submission).

Conditions:
Pelizaeus-Merzbacher disease. Also called: LEUKODYSTROPHY, HYPOMYELINATING, 1; Pelizaeus-Merzbacher spectrum disorder; Pelizaeus-Merzbacher Disease (PMD); Sudanophilic leukodystrophy; Pelizeaus-Merzbacher spectrum disorder. Identifiers: Orphanet 702, MedGen C0205711, MONDO:0010714, OMIM 312080, HP:0003269.

Submission:

Molecular Diagnostics Lab, Nemours Children's Health, Delaware
Classification: Likely pathogenic for Pelizaeus-Merzbacher disease. Review status: criteria provided, single submitter. Criteria: ACMG Guidelines, 2015. Collection method: clinical testing. Allele origin: unknown. Affected: yes. Observed: 1 hemizygote.
Comment: This variant (c.554_564del, p.Gln185Leufs*15) predicts a frameshift and a premature termination. It has not been observed in population databases (gnomAD). The change has been described in the literature (PMID 21679497) but no functional studies have been published.

Literature cited by the submitters: PubMed 21679407.